The following is an entry in ClinVar:

ClinVar aggregate classification (germline): Pathogenic (1 of 4 stars; one submission).

Conditions:
Marfan syndrome (MFS). Also called: MARFAN SYNDROME, TYPE I; Marfan syndrome type 1; Marfan's syndrome; Marfan syndrome, classic; FBN1-Related Marfan Syndrome. Identifiers: Orphanet 284963, Orphanet 558, MedGen C0024796, MONDO:0007947, OMIM 154700.
Familial thoracic aortic aneurysm and aortic dissection (TAAD). Also called: Thoracic aortic aneurysms and dissections. Identifiers: Orphanet 91387, MedGen C4707243, MONDO:0019625.

Submission:

Labcorp Genetics (formerly Invitae), Labcorp
Classification: Pathogenic for Marfan syndrome; Familial thoracic aortic aneurysm and aortic dissection. Last evaluated: 2025-01-20. Review status: criteria provided, single submitter. Criteria: Invitae Variant Classification Sherloc (09022015). Collection method: clinical testing. Allele origin: germline.
Comment: This sequence change creates a premature translational stop signal (p.Cys1720*) in the FBN1 gene. It is expected to result in an absent or disrupted protein product. Loss-of-function variants in FBN1 are known to be pathogenic (PMID: 17657824, 19293843). This variant is not present in population databases (gnomAD no frequency). This variant has not been reported in the literature in individuals affected with FBN1-related conditions. For these reasons, this variant has been classified as Pathogenic.

Literature cited by the submitters: PubMed 17657824; PubMed 19293843.

NM_000138.5(FBN1):c.5160C>A (p.Cys1720Ter)

Gene: FBN1 (fibrillin 1; minus strand). Cytogenetic location: 15q21.1.
Variant type: single nucleotide variant.
Coding change: c.5160C>A on transcript NM_000138.5 (MANE Select); coding-DNA position 5160, C replaced by A.
Protein change: p.Cys1720Ter; replaces cysteine 1720 with a stop codon.
Molecular consequence: nonsense.
Genome position (GRCh38, 1-based): chr15:48,463,146, G>T on the plus strand (C>A on the coding strand, the complement: FBN1 is on the minus strand). VCF-style: chr15-48463146-G-T. GRCh37 (hg19) VCF-style: chr15-48755343-G-T.
Other names: c.5160C>A, p.Cys1720Ter (NM_001406716.1); short protein forms C1720*.
Identifiers: ClinVar variation 3762075 (VCV003762075.2).